The following is an entry in ClinVar:

ClinVar aggregate classification (germline): Uncertain significance (1 of 4 stars; one submission).

Conditions:
Developmental and epileptic encephalopathy, 34 (DEE34). Also called: SLC12A5-Related Epilepsy of Infancy with Migrating Focal Seizures; Early infantile epileptic encephalopathy 34. Identifiers: Orphanet 293181, MedGen C4225257, MONDO:0014718, OMIM 616645.

Submission:

Labcorp Genetics (formerly Invitae), Labcorp
Classification: Uncertain significance for Developmental and epileptic encephalopathy, 34. Last evaluated: 2020-04-09. Review status: criteria provided, single submitter. Criteria: Invitae Variant Classification Sherloc (09022015). Collection method: clinical testing. Allele origin: germline.
Comment: In summary, the available evidence is currently insufficient to determine the role of this variant in disease. Therefore, it has been classified as a Variant of Uncertain Significance. Algorithms developed to predict the effect of missense changes on protein structure and function (SIFT, PolyPhen-2, Align-GVGD) all suggest that this variant is likely to be tolerated, but these predictions have not been confirmed by published functional studies and their clinical significance is uncertain. This variant has not been reported in the literature in individuals with SLC12A5-related conditions. This variant is not present in population databases (ExAC no frequency). This sequence change replaces glycine with valine at codon 298 of the SLC12A5 protein (p.Gly298Val). The glycine residue is moderately conserved and there is a moderate physicochemical difference between glycine and valine.

NM_020708.5(SLC12A5):c.893G>T (p.Gly298Val)

Gene: SLC12A5 (solute carrier family 12 member 5; plus strand). Cytogenetic location: 20q13.12.
Variant type: single nucleotide variant.
Coding change: c.893G>T on transcript NM_020708.5 (MANE Select); coding-DNA position 893, G replaced by T.
Protein change: p.Gly298Val; replaces glycine 298 with valine.
Molecular consequence: missense variant.
Genome position (GRCh38, 1-based): chr20:46,041,367, G>T. VCF-style: chr20-46041367-G-T. GRCh37 (hg19) VCF-style: chr20-44670006-G-T.
Other names: c.962G>T, p.Gly321Val (NM_001134771.2); short protein forms G298V, G321V.
Identifiers: ClinVar variation 1006000 (VCV001006000.11), dbSNP rs1317503439, ClinGen allele CA409190229.